The following is an entry in ClinVar:

ClinVar aggregate classification (germline): Uncertain significance (1 of 4 stars; one submission).

Allele frequency attached by ClinVar (database versions not stated): gnomAD exomes below 0.00001; gnomAD 0.00001; TOPMed 0.00003.
gnomAD v4.1: 5 of 1,607,956 alleles (0.00031%); highest among the groups gnomAD compares: African/African-American, 0.004%; no homozygotes.

Submission:

Labcorp Genetics (formerly Invitae), Labcorp
Classification: Uncertain significance. Last evaluated: 2024-02-26. Review status: criteria provided, single submitter. Criteria: Invitae Variant Classification Sherloc (09022015). Collection method: clinical testing. Allele origin: germline.
Comment: This sequence change replaces tyrosine, which is neutral and polar, with cysteine, which is neutral and slightly polar, at codon 136 of the FGF12 protein (p.Tyr136Cys). This variant is not present in population databases (gnomAD no frequency). This variant has not been reported in the literature in individuals affected with FGF12-related conditions. ClinVar contains an entry for this variant (Variation ID: 2414734). Advanced modeling of protein sequence and biophysical properties (such as structural, functional, and spatial information, amino acid conservation, physicochemical variation, residue mobility, and thermodynamic stability) performed at Invitae indicates that this missense variant is expected to disrupt FGF12 protein function with a positive predictive value of 80%. In summary, the available evidence is currently insufficient to determine the role of this variant in disease. Therefore, it has been classified as a Variant of Uncertain Significance.

NM_004113.6(FGF12):c.221A>G (p.Tyr74Cys)

Gene: FGF12 (fibroblast growth factor 12; minus strand). Cytogenetic location: 3q28.
Variant type: single nucleotide variant.
Coding change: c.221A>G on transcript NM_004113.6 (MANE Select); coding-DNA position 221, A replaced by G.
Protein change: p.Tyr74Cys; replaces tyrosine 74 with cysteine.
Molecular consequence: missense variant.
Genome position (GRCh38, 1-based): chr3:192,335,368, T>C on the plus strand (A>G on the coding strand, the complement: FGF12 is on the minus strand). VCF-style: chr3-192335368-T-C. GRCh37 (hg19) VCF-style: chr3-192053157-T-C.
Other names: c.110A>G, p.Tyr37Cys (NM_001377292.1); c.149A>G, p.Tyr50Cys (NM_001377293.1, NM_001377294.1); c.407A>G, p.Tyr136Cys (NM_021032.5); short protein forms Y136C, Y37C, Y50C, Y74C.
Identifiers: ClinVar variation 2414734 (VCV002414734.4), dbSNP rs994793315, ClinGen allele CA90406248.
Genomic context (GRCh38, chr3:192,335,368, plus strand): 5'-TCTCAGTGGTAGTTCACACACATACACACAAATACACACTACAATGTACTTACTGAACTG[T>C]AGAGATAGCCTTCACCATTCATGGCCACATAGAGGCTAGCCTTCACTCCTTGGATGGCCA-3'
Protein context (NP_004104.3, residues 64-84): YVAMNGEGYL[Tyr74Cys]SSDVFTPECK